The following is an entry in ClinVar:

NC_000001.10:g.(?_202910701)_(202911366_?)del

Gene: ADIPOR1 (adiponectin receptor 1; minus strand). Cytogenetic location: 1q32.1.
Variant type: Deletion.
Identifiers: ClinVar variation 3248002 (VCV003248002.1).

ClinVar aggregate classification (germline): Uncertain significance (1 of 4 stars; one submission).

Submission:

Labcorp Genetics (formerly Invitae), Labcorp
Classification: Uncertain significance. Last evaluated: 2022-12-17. Review status: criteria provided, single submitter. Criteria: Invitae Variant Classification Sherloc (09022015). Collection method: clinical testing. Allele origin: unknown.
Comment: This variant has not been reported in the literature in individuals affected with ADIPOR1-related conditions. In summary, the available evidence is currently insufficient to determine the role of this variant in disease. Therefore, it has been classified as a Variant of Uncertain Significance. Experimental studies and prediction algorithms are not available or were not evaluated, and the functional significance of this variant is currently unknown. This variant is a gross deletion of the genomic region encompassing exon(s) 7-8 of the ADIPOR1 gene, which includes the termination codon. This deletion extends beyond the assayed region for this gene and therefore may encompass additional genes. While this deletion is not anticipated to lead to nonsense mediated decay, it is expected to alter mRNA translation or result in a truncated protein product.